The following is an entry in ClinVar:

NM_000165.5(GJA1):c.75G>C (p.Trp25Cys)

Gene: GJA1 (gap junction protein alpha 1; plus strand). Cytogenetic location: 6q22.31.
Variant type: single nucleotide variant.
Coding change: c.75G>C on transcript NM_000165.5 (MANE Select); coding-DNA position 75, G replaced by C.
Protein change: p.Trp25Cys; replaces tryptophan 25 with cysteine.
Molecular consequence: missense variant.
Genome position (GRCh38, 1-based): chr6:121,446,922, G>C. VCF-style: chr6-121446922-G-C. GRCh37 (hg19) VCF-style: chr6-121768068-G-C.
Other names: short protein forms W25C.
Identifiers: ClinVar variation 986183 (VCV000986183.6), dbSNP rs1773898476, ClinGen allele CA365557864.

ClinVar aggregate classification (germline): Pathogenic/Likely pathogenic. Review status: criteria provided, multiple submitters, no conflicts (2 of 4 stars). 2 submissions from 2 submitters: Pathogenic (1); Likely pathogenic (1). Last evaluated 2021-06-11.

Conditions:
Inborn genetic diseases. Identifiers: MedGen C0950123, MeSH D030342.

Submissions (2):

Ambry Genetics
Classification: Likely pathogenic for Inborn genetic diseases. Last evaluated: 2021-06-11. Review status: criteria provided, single submitter. Criteria: Ambry Variant Classification Scheme 2023. Collection method: clinical testing. Allele origin: germline.
Comment: The c.75G>C (p.W25C) alteration is located in exon 2 (coding exon 1) of the GJA1 gene. This alteration results from a G to C substitution at nucleotide position 75, causing the tryptophan (W) at amino acid position 25 to be replaced by a cysteine (C). Based on data from the Genome Aggregation Database (gnomAD), the GJA1 c.75G>C alteration was not observed, with coverage at this position. The p.W25C alteration has been reported in two individuals with oculodentodigital dysplasia. This amino acid position is highly conserved in available vertebrate species. The p.W25C alteration is predicted to be deleterious by in silico analysis. Based on the available evidence, this alteration is classified as likely pathogenic.

Institute of Medical Genetics and Applied Genomics, University Hospital Tübingen
Classification: Pathogenic. Last evaluated: 2020-10-23. Review status: criteria provided, single submitter. Criteria: ACMG Guidelines, 2015. Collection method: clinical testing. Allele origin: germline. Inheritance: Unknown mechanism. Affected: yes.

Literature cited by the submitters: PubMed 22214631 (cited by Ambry Genetics); PubMed 26087145 (cited by Ambry Genetics).